The following is an entry in ClinVar:

NM_201384.3(PLEC):c.7195G>C (p.Ala2399Pro)

Gene: PLEC (plectin; minus strand). Cytogenetic location: 8q24.3.
Variant type: single nucleotide variant.
Coding change: c.7195G>C on transcript NM_201384.3 (MANE Select); coding-DNA position 7195, G replaced by C.
Protein change: p.Ala2399Pro; replaces alanine 2399 with proline.
Molecular consequence: missense variant.
Genome position (GRCh38, 1-based): chr8:143,922,734, C>G on the plus strand (G>C on the coding strand, the complement: PLEC is on the minus strand). VCF-style: chr8-143922734-C-G. GRCh37 (hg19) VCF-style: chr8-144996902-C-G.
Other names: c.7276G>C, p.Ala2426Pro (NM_000445.5); c.7153G>C, p.Ala2385Pro (NM_201378.4); c.7129G>C, p.Ala2377Pro (NM_201379.3); c.7606G>C, p.Ala2536Pro (NM_201380.4); c.7099G>C, p.Ala2367Pro (NM_201381.3); c.7195G>C, p.Ala2399Pro (NM_201382.4); c.7207G>C, p.Ala2403Pro (NM_201383.3); short protein forms A2403P, A2377P, A2385P, A2536P, A2399P, A2367P, A2426P.
Identifiers: ClinVar variation 2043534 (VCV002043534.4), dbSNP rs782779334, ClinGen allele CA372529105.

ClinVar aggregate classification (germline): Uncertain significance (1 of 4 stars; one submission).

Conditions:
Epidermolysis bullosa simplex 5B, with muscular dystrophy (EBS5B). Also called: Epidermolysis bullosa simplex with muscular dystrophy; EPIDERMOLYSIS BULLOSA SIMPLEX AND LIMB-GIRDLE MUSCULAR DYSTROPHY. Identifiers: Orphanet 257, MedGen C2931072, MONDO:0009181, OMIM 226670.
Epidermolysis bullosa simplex, Ogna type (EBS5A). Also called: Pidermolysis bullosa simplex 5A, Ogna type; EPIDERMOLYSIS BULLOSA SIMPLEX 5A, OGNA TYPE. Identifiers: Orphanet 79401, MedGen C0432317, MONDO:0007555, OMIM 131950.
Epidermolysis bullosa simplex 5C, with pyloric atresia (EBS5C). Also called: PLEC-Related Epidermolysis Bullosa with Pyloric Atresia; Epidermolysis bullosa simplex with pyloric atresia; PLEC1-Related Epidermolysis Bullosa with Pyloric Atresia. Identifiers: Orphanet 158684, MedGen C2677349, MONDO:0012807, OMIM 612138.
Autosomal recessive limb-girdle muscular dystrophy type 2Q (LGMDR17). Also called: MUSCULAR DYSTROPHY, LIMB-GIRDLE, AUTOSOMAL RECESSIVE 17. Identifiers: Orphanet 254361, MedGen C3150989, MONDO:0013390, OMIM 613723.
Epidermolysis bullosa simplex with nail dystrophy (EBS5D). Identifiers: MedGen C4225309, MONDO:0014661, OMIM 616487.

gnomAD v4.1: 3 of 1,611,250 alleles (0.00019%); highest among the groups gnomAD compares: Non-Finnish European, 0.00025%; no homozygotes.

Submission:

Labcorp Genetics (formerly Invitae), Labcorp
Classification: Uncertain significance for Autosomal recessive limb-girdle muscular dystrophy type 2Q; Epidermolysis bullosa simplex, Ogna type; Epidermolysis bullosa simplex with nail dystrophy; Epidermolysis bullosa simplex 5C, with pyloric atresia; Epidermolysis bullosa simplex 5B, with muscular dystrophy. Last evaluated: 2021-12-15. Review status: criteria provided, single submitter. Criteria: Invitae Variant Classification Sherloc (09022015). Collection method: clinical testing. Allele origin: germline.
Comment: This sequence change replaces alanine, which is neutral and non-polar, with proline, which is neutral and non-polar, at codon 2426 of the PLEC protein (p.Ala2426Pro). This variant is not present in population databases (gnomAD no frequency). This variant has not been reported in the literature in individuals affected with PLEC-related conditions. Algorithms developed to predict the effect of missense changes on protein structure and function (SIFT, PolyPhen-2, Align-GVGD) all suggest that this variant is likely to be disruptive. In summary, the available evidence is currently insufficient to determine the role of this variant in disease. Therefore, it has been classified as a Variant of Uncertain Significance.